The following is an entry in ClinVar:

ClinVar aggregate classification (germline): Pathogenic. Review status: criteria provided, multiple submitters, no conflicts (2 of 4 stars). 4 submissions from 4 submitters: Pathogenic (3). 1 of the submissions does not count toward it. Last evaluated 2024-12-24.

Conditions:
NEURODEVELOPMENTAL DISORDER, X-LINKED, WITH POOR OR ABSENT SPEECH AND BEHAVIORAL ABNORMALITIES (NEDXSB). Identifiers: MedGen CN381607, OMIM 301164.
Intellectual developmental disorder, X-linked 1. Also called: Atkin Flaitz Patil Smith syndrome; Intellectual disability, X-linked 1; MENTAL RETARDATION, X-LINKED 18; MENTAL RETARDATION, X-LINKED 78. Identifiers: Orphanet 777, MedGen C2931498, MONDO:0010656, OMIM 309530.

Submissions (4):

Victorian Clinical Genetics Services, Murdoch Childrens Research Institute
Classification: Pathogenic for Intellectual developmental disorder, X-linked 1. Last evaluated: 2024-12-24. Review status: criteria provided, single submitter. Criteria: ACMG Guidelines, 2015. Collection method: clinical testing. Allele origin: germline. Affected: yes.
Comment: This variant is classified as Pathogenic. Evidence in support of pathogenic classification: Variant is predicted to cause nonsense-mediated decay (NMD) and loss of protein (premature termination codon is located at least 54 nucleotides upstream of the final exon-exon junction); Variant is absent from gnomAD (v2, v3 and v4); This variant has moderate previous evidence of pathogenicity in unrelated individuals. Other NMD-predicted variants comparable to the one identified in this case have very strong previous evidence for pathogenicity (DECIPHER); Additional information: This variant is heterozygous; This gene is associated with X-linked disease. Males present with a severe early-onset condition, whereas females have a more variable phenotype, which tends be milder with a later onset. Females may also be asymptomatic carriers (PMID: 30206421); Loss of function is a known mechanism of disease in this gene and is associated with X-linked intellectual developmental disorder 1 (MIM#309530).

GeneDx
Classification: Pathogenic. Last evaluated: 2024-12-04. Review status: criteria provided, single submitter. Criteria: GeneDx Variant Classification Process June 2021. Collection method: clinical testing. Allele origin: germline. Affected: yes.
Comment: Nonsense variant predicted to result in protein truncation or nonsense mediated decay in a gene for which loss of function is a known mechanism of disease; Not observed at significant frequency in large population cohorts (gnomAD); This variant is associated with the following publications: (PMID: 30328660, 30206421)

Labcorp Genetics (formerly Invitae), Labcorp
Classification: Pathogenic for Intellectual developmental disorder, X-linked 1. Last evaluated: 2024-05-12. Review status: criteria provided, single submitter. Criteria: Invitae Variant Classification Sherloc (09022015). Collection method: clinical testing. Allele origin: germline.
Comment: This sequence change creates a premature translational stop signal (p.Arg1145*) in the IQSEC2 gene. It is expected to result in an absent or disrupted protein product. Loss-of-function variants in IQSEC2 are known to be pathogenic (PMID: 21686261, 26793055, 27665735). This variant is not present in population databases (gnomAD no frequency). This premature translational stop signal has been observed in individual(s) with IQSEC2-related encephalopathy (PMID: 30206421). In at least one individual the variant was observed to be de novo. ClinVar contains an entry for this variant (Variation ID: 1070778). For these reasons, this variant has been classified as Pathogenic.

OMIM
Classification: Pathogenic for NEURODEVELOPMENTAL DISORDER, X-LINKED, WITH ABSENT SPEECH AND BEHAVIORAL ABNORMALITIES. Last evaluated: 2026-04-15. Review status: no assertion criteria provided. Collection method: literature only. Allele origin: germline. Not counted in ClinVar's aggregate classification.

Literature cited by the submitters: PubMed 30206421 (cited by 3 submitters); PubMed 21686261 (cited by Labcorp Genetics (formerly Invitae), Labcorp); PubMed 26793055 (cited by Labcorp Genetics (formerly Invitae), Labcorp); PubMed 27665735 (cited by Labcorp Genetics (formerly Invitae), Labcorp).

NM_001111125.3(IQSEC2):c.3433C>T (p.Arg1145Ter)

Gene: IQSEC2 (IQ motif and Sec7 domain ArfGEF 2; minus strand). Cytogenetic location: Xp11.22.
Variant type: single nucleotide variant.
Coding change: c.3433C>T on transcript NM_001111125.3 (MANE Select); coding-DNA position 3433, C replaced by T.
Protein change: p.Arg1145Ter; replaces arginine 1145 with a stop codon.
Molecular consequence: nonsense.
Genome position (GRCh38, 1-based): chrX:53,236,340, G>A on the plus strand (C>T on the coding strand, the complement: IQSEC2 is on the minus strand). VCF-style: chrX-53236340-G-A. GRCh37 (hg19) VCF-style: chrX-53265522-G-A.
Other names: c.2818C>T, p.Arg940Ter (NM_015075.2); short protein forms R1145*, R940*.
Identifiers: ClinVar variation 1070778 (VCV001070778.16), dbSNP rs1556859652, ClinGen allele CA413143948.